The following is an entry in ClinVar:

ClinVar aggregate classification (germline): Uncertain significance (1 of 4 stars; one submission).

Allele frequency attached by ClinVar (database versions not stated): gnomAD exomes 0.00001; ExAC 0.00006; TOPMed 0.00009; gnomAD 0.00010; ESP Exome Variant Server 0.00023.
gnomAD v4.1: 28 of 1,614,050 alleles (0.0017%); highest among the groups gnomAD compares: African/African-American, 0.033%; no homozygotes.

Submission:

Labcorp Genetics (formerly Invitae), Labcorp
Classification: Uncertain significance. Last evaluated: 2023-05-13. Review status: criteria provided, single submitter. Criteria: Invitae Variant Classification Sherloc (09022015). Collection method: clinical testing. Allele origin: germline.
Comment: This sequence change replaces methionine, which is neutral and non-polar, with isoleucine, which is neutral and non-polar, at codon 266 of the FBN3 protein (p.Met266Ile). In summary, the available evidence is currently insufficient to determine the role of this variant in disease. Therefore, it has been classified as a Variant of Uncertain Significance. Algorithms developed to predict the effect of missense changes on protein structure and function output the following: SIFT: "Not Available"; PolyPhen-2: "Benign"; Align-GVGD: "Not Available". The isoleucine amino acid residue is found in multiple mammalian species, which suggests that this missense change does not adversely affect protein function. This variant has not been reported in the literature in individuals affected with FBN3-related conditions. This variant is present in population databases (rs146012390, gnomAD 0.05%).

NM_032447.5(FBN3):c.798G>C (p.Met266Ile)

Gene: FBN3 (fibrillin 3; minus strand). Cytogenetic location: 19p13.2.
Variant type: single nucleotide variant.
Coding change: c.798G>C on transcript NM_032447.5 (MANE Select); coding-DNA position 798, G replaced by C.
Protein change: p.Met266Ile; replaces methionine 266 with isoleucine.
Molecular consequence: missense variant.
Genome position (GRCh38, 1-based): chr19:8,141,784, C>G on the plus strand (G>C on the coding strand, the complement: FBN3 is on the minus strand). VCF-style: chr19-8141784-C-G. GRCh37 (hg19) VCF-style: chr19-8206668-C-G.
Other names: c.798G>C, p.Met266Ile (NM_001321431.2); short protein forms M266I.
Identifiers: ClinVar variation 2985302 (VCV002985302.3), dbSNP rs146012390, ClinGen allele CA9153588.